The following is an entry in ClinVar:

ClinVar aggregate classification (germline): Uncertain significance (1 of 4 stars; one submission).

Conditions:
Kabuki syndrome 2 (KABUK2). Also called: KDM6A-Related Kabuki Syndrome. Identifiers: Orphanet 2322, MedGen C3275495, MONDO:0010465, OMIM 300867.

Allele frequency attached by ClinVar (database versions not stated): gnomAD exomes below 0.00001; TOPMed below 0.00001; gnomAD 0.00002.
gnomAD v4.1: 5 of 1,183,593 alleles (0.00042%); highest among the groups gnomAD compares: African/African-American, 0.0018%; no homozygotes.

Submission:

Labcorp Genetics (formerly Invitae), Labcorp
Classification: Uncertain significance for Kabuki syndrome 2. Last evaluated: 2023-08-22. Review status: criteria provided, single submitter. Criteria: Invitae Variant Classification Sherloc (09022015). Collection method: clinical testing. Allele origin: germline.
Comment: In summary, the available evidence is currently insufficient to determine the role of this variant in disease. Therefore, it has been classified as a Variant of Uncertain Significance. Advanced modeling of protein sequence and biophysical properties (such as structural, functional, and spatial information, amino acid conservation, physicochemical variation, residue mobility, and thermodynamic stability) has been performed at Invitae for this missense variant, however the output from this modeling did not meet the statistical confidence thresholds required to predict the impact of this variant on KDM6A protein function. This variant has not been reported in the literature in individuals affected with KDM6A-related conditions. This variant is present in population databases (rs754875167, gnomAD 0.009%). This sequence change replaces tyrosine, which is neutral and polar, with cysteine, which is neutral and slightly polar, at codon 120 of the KDM6A protein (p.Tyr120Cys).

NM_001291415.2(KDM6A):c.359A>G (p.Tyr120Cys)

Gene: KDM6A (lysine demethylase 6A; plus strand). Cytogenetic location: Xp11.3.
Variant type: single nucleotide variant.
Coding change: c.359A>G on transcript NM_001291415.2 (MANE Select); coding-DNA position 359, A replaced by G.
Protein change: p.Tyr120Cys; replaces tyrosine 120 with cysteine.
Molecular consequence: missense variant. On other transcripts: 5 prime UTR variant (1), non-coding transcript variant (1).
Genome position (GRCh38, 1-based): chrX:44,974,690, A>G. VCF-style: chrX-44974690-A-G. GRCh37 (hg19) VCF-style: chrX-44833935-A-G.
Other names: c.359A>G, p.Tyr120Cys (NM_001291416.2, NM_001291417.2, NM_001291418.2 and 9 more transcripts); c.-274A>G (NM_001291421.2); short protein forms Y120C.
Identifiers: ClinVar variation 3015719 (VCV003015719.3), dbSNP rs754875167, ClinGen allele CA329563689.